The following is an entry in ClinVar:

NM_004525.3(LRP2):c.4501A>T (p.Arg1501Ter)

Gene: LRP2 (LDL receptor related protein 2; minus strand). Cytogenetic location: 2q31.1.
Variant type: single nucleotide variant.
Coding change: c.4501A>T on transcript NM_004525.3 (MANE Select); coding-DNA position 4501, A replaced by T.
Protein change: p.Arg1501Ter; replaces arginine 1501 with a stop codon.
Molecular consequence: nonsense.
Genome position (GRCh38, 1-based): chr2:169,238,096, T>A on the plus strand (A>T on the coding strand, the complement: LRP2 is on the minus strand). VCF-style: chr2-169238096-T-A. GRCh37 (hg19) VCF-style: chr2-170094606-T-A.
Other names: short protein forms R1501*.
Identifiers: ClinVar variation 5016158 (VCV005016158.1).

ClinVar aggregate classification (germline): Pathogenic (1 of 4 stars; one submission).

Conditions:
Donnai-Barrow syndrome. Also called: DBS/FOAR SYNDROME; FACIOOCULOACOUSTICORENAL SYNDROME. Identifiers: Orphanet 2143, MedGen C1857277, MONDO:0009104, OMIM 222448.

Submission:

Myriad Genetics, Inc.
Classification: Pathogenic for Donnai-Barrow syndrome. Last evaluated: 2026-07-25. Review status: criteria provided, single submitter. Criteria: Myriad Autosomal Dominant, Autosomal Recessive and X-Linked Classification Criteria (2023). Collection method: clinical testing. Allele origin: unknown.
Comment: NM_004525.2(LRP2):c.4501A>T(R1501*) is expected to be pathogenic in the context of Donnai-Barrow syndrome. This variant is predicted to lead to an abnormal or absent protein product due to the creation of a premature termination codon in LRP2, a gene where loss-of-function variants are known to be pathogenic. Please note: this variant was assessed in the context of healthy population screening.